The following is an entry in ClinVar:

NM_004082.5(DCTN1):c.2197A>G (p.Ile733Val)

Gene: DCTN1 (dynactin subunit 1; minus strand). Cytogenetic location: 2p13.1.
Variant type: single nucleotide variant.
Coding change: c.2197A>G on transcript NM_004082.5 (MANE Select); coding-DNA position 2197, A replaced by G.
Protein change: p.Ile733Val; replaces isoleucine 733 with valine.
Molecular consequence: missense variant. On other transcripts: non-coding transcript variant (1).
Genome position (GRCh38, 1-based): chr2:74,367,408, T>C on the plus strand (A>G on the coding strand, the complement: DCTN1 is on the minus strand). VCF-style: chr2-74367408-T-C. GRCh37 (hg19) VCF-style: chr2-74594535-T-C.
Other names: c.2137A>G, p.Ile713Val (NM_001135040.3); c.1795A>G, p.Ile599Val (NM_001135041.3, NM_023019.4); c.2086A>G, p.Ile696Val (NM_001190836.2); c.2176A>G, p.Ile726Val (NM_001190837.2); c.2146A>G, p.Ile716Val (NM_001378991.1); c.2128A>G, p.Ile710Val (NM_001378992.1); short protein forms I599V, I696V, I710V, I713V, I716V, I726V, I733V.
Identifiers: ClinVar variation 3750036 (VCV003750036.2).

ClinVar aggregate classification (germline): Uncertain significance (1 of 4 stars; one submission).

Conditions:
Amyotrophic lateral sclerosis type 1 (ALS1). Also called: AMYOTROPHIC LATERAL SCLEROSIS 1, FAMILIAL. Identifiers: Orphanet 803, MedGen C1862939, MONDO:0007103, OMIM 105400.
Neuronopathy, distal hereditary motor, type 7B. Also called: NEURONOPATHY, DISTAL HEREDITARY MOTOR, AUTOSOMAL DOMINANT 14; NEURONOPATHY, DISTAL HEREDITARY MOTOR, HARDING TYPE VIIB; NEUROPATHY, DISTAL HEREDITARY MOTOR, HARDING TYPE VIIB; NEUROPATHY, DISTAL HEREDITARY MOTOR, WITH VOCAL CORD PARALYSIS, HARDING TYPE VIIB; HMN VIIB; LOWER MOTOR NEURON DISEASE, DYNACTIN TYPE. Identifiers: Orphanet 139589, MedGen C1843315, MONDO:0011879, OMIM 607641.
Perry syndrome. Also called: PARKINSONISM WITH ALVEOLAR HYPOVENTILATION AND MENTAL DEPRESSION. Identifiers: Orphanet 178509, MedGen C1868594, MONDO:0008201, OMIM 168605.

gnomAD v4.1: 2 of 1,614,128 alleles (0.00012%); highest among the groups gnomAD compares: South Asian, 0.0011%; no homozygotes.

Submission:

Labcorp Genetics (formerly Invitae), Labcorp
Classification: Uncertain significance for Amyotrophic lateral sclerosis type 1; Neuronopathy, distal hereditary motor, type 7B; Perry syndrome. Last evaluated: 2025-08-06. Review status: criteria provided, single submitter. Criteria: Invitae Variant Classification Sherloc (09022015). Collection method: clinical testing. Allele origin: germline.
Comment: This sequence change replaces isoleucine, which is neutral and non-polar, with valine, which is neutral and non-polar, at codon 733 of the DCTN1 protein (p.Ile733Val). This variant is not present in population databases (gnomAD no frequency). This variant has not been reported in the literature in individuals affected with DCTN1-related conditions. ClinVar contains an entry for this variant (Variation ID: 3750036). Invitae Evidence Modeling of protein sequence and biophysical properties (such as structural, functional, and spatial information, amino acid conservation, physicochemical variation, residue mobility, and thermodynamic stability) indicates that this missense variant is not expected to disrupt DCTN1 protein function with a negative predictive value of 95%. In summary, the available evidence is currently insufficient to determine the role of this variant in disease. Therefore, it has been classified as a Variant of Uncertain Significance.